The following is an entry in ClinVar:

ClinVar aggregate classification (germline): Pathogenic. Review status: criteria provided, multiple submitters, no conflicts (2 of 4 stars). 2 submissions from 2 submitters: Pathogenic (2). Last evaluated 2019-03-01.

Conditions:
CHARGE syndrome (CHARGE). Also called: Coloboma, heart anomaly, choanal atresia, retardation, genital and ear anomalies; CHARGE association; Hall-Hittner syndrome; Hittner Hirsch Kreh syndrome; CHARGE ASSOCIATION--COLOBOMA, HEART ANOMALY, CHOANAL ATRESIA, RETARDATION, GENITAL AND EAR ANOMALIES. Identifiers: Orphanet 138, MedGen C0265354, MONDO:0008965.

Submissions (2):

ARUP Laboratories, Molecular Genetics and Genomics, ARUP Laboratories
Classification: Pathogenic. Last evaluated: 2019-03-01. Review status: criteria provided, single submitter. Criteria: ARUP Molecular Germline Variant Investigation Process. Collection method: clinical testing. Allele origin: germline.
Comment: The CHD7 c.2257C>T; p.Gln753Ter variant, to our knowledge, is not reported in the medical literature or gene-specific databases. This variant is also absent from general population databases (Exome Variant Server, Genome Aggregation Database), indicating it is not a common polymorphism. This variant induces an early termination codon and is predicted to result in a truncated protein or mRNA subject to nonsense-mediated decay. Further, CHD7 loss-of-function is an established mechanism of disease, and truncating variants downstream of p.Gln753Ter are reported in individuals with CHARGE syndrome and are considered pathogenic (Jongmans 2007, Lalani 2006). Based on available information, the p.Gln753Ter variant is considered to be pathogenic. References: Jongmans MC et al. CHARGE syndrome: the phenotypic spectrum of mutations in the CHD7 gene. J Med Genet. 2006 Apr;43(4):306-14. Lalani SR et al. Spectrum of CHD7 mutations in 110 individuals with CHARGE syndrome and genotype-phenotype correlation. Am J Hum Genet. 2006 Feb;78(2):303-14.

Labcorp Genetics (formerly Invitae), Labcorp
Classification: Pathogenic for CHARGE association. Last evaluated: 2018-09-28. Review status: criteria provided, single submitter. Criteria: Invitae Variant Classification Sherloc (09022015). Collection method: clinical testing. Allele origin: germline.
Comment: This sequence change creates a premature translational stop signal (p.Gln753*) in the CHD7 gene. It is expected to result in an absent or disrupted protein product. This variant is not present in population databases (ExAC no frequency). This variant has not been reported in the literature in individuals with CHD7-related disease. Loss-of-function variants in CHD7 are known to be pathogenic (PMID: 22461308, 25077900). For these reasons, this variant has been classified as Pathogenic.

NM_017780.4(CHD7):c.2257C>T (p.Gln753Ter)

Gene: CHD7 (chromodomain helicase DNA binding protein 7; plus strand). Cytogenetic location: 8q12.2.
Variant type: single nucleotide variant.
Coding change: c.2257C>T on transcript NM_017780.4 (MANE Select); coding-DNA position 2257, C replaced by T.
Protein change: p.Gln753Ter; replaces glutamine 753 with a stop codon.
Molecular consequence: nonsense. On other transcripts: intron variant (1).
Genome position (GRCh38, 1-based): chr8:60,800,406, C>T. VCF-style: chr8-60800406-C-T. GRCh37 (hg19) VCF-style: chr8-61712965-C-T.
Other names: c.1716+19356C>T (NM_001316690.1); short protein forms Q753*.
Identifiers: ClinVar variation 660551 (VCV000660551.9), dbSNP rs1586350727, ClinGen allele CA371298933.